The following is an entry in ClinVar:

ClinVar aggregate classification (germline): Pathogenic (1 of 4 stars; one submission).

Submission:

Genetics Laboratory, UDIAT-Centre Diagnòstic, Hospital Universitari Parc Tauli
Classification: Pathogenic. Last evaluated: 2021-04-26. Review status: criteria provided, single submitter. Criteria: Parc Tauli Hospital Assertion Criteria 2021. Collection method: clinical testing. Allele origin: inherited. Inheritance: Autosomal recessive inheritance. Affected: yes. Observed: 1 homozygote.
Comment: PVS1_very strong;PM2_supporting;PM3_supporting;PP3_supporting

NM_019042.5(PUS7):c.1774del (p.Asp592fs)

Gene: PUS7 (pseudouridine synthase 7; minus strand). Cytogenetic location: 7q22.3.
Variant type: Deletion.
Coding change: c.1774del on transcript NM_019042.5 (MANE Select); coding-DNA position 1774, one base deleted (G; older notation c.1774delG).
Protein change: p.Asp592fs; shifts the reading frame from aspartic acid 592.
Molecular consequence: frameshift variant.
Genome position (GRCh38, 1-based): chr7:105,459,243, C deleted on the plus strand (G on the coding strand, the reverse complement: PUS7 is on the minus strand). VCF-style (leftmost placement, unchanged base first): chr7-105459242-TC-T. GRCh37 (hg19) VCF-style: chr7-105099689-TC-T.
Other names: c.1792del, p.Asp598fs (NM_001318163.1); c.1774del, p.Asp592fs (NM_001318164.2); short protein forms D592fs, D598fs.
Identifiers: ClinVar variation 1098369 (VCV001098369.2), dbSNP rs2133020609, ClinGen allele CA2499218625.